The following is an entry in ClinVar:

ClinVar aggregate classification (germline): Uncertain significance (1 of 4 stars; one submission).

Conditions:
Dextro-looped transposition of the great arteries. Also called: Dextrotransposition of the great arteries. Identifiers: Orphanet 860, MedGen C3531771, MONDO:0019443, OMIM 608808, HP:0031348.

Allele frequency attached by ClinVar (database versions not stated): gnomAD exomes below 0.00001.
gnomAD v4.1: 3 of 1,613,718 alleles (0.00019%); highest among the groups gnomAD compares: Non-Finnish European, 0.00025%; no homozygotes.

Submission:

Labcorp Genetics (formerly Invitae), Labcorp
Classification: Uncertain significance for Dextro-looped transposition of the great arteries. Last evaluated: 2023-08-31. Review status: criteria provided, single submitter. Criteria: Invitae Variant Classification Sherloc (09022015). Collection method: clinical testing. Allele origin: germline.
Comment: Advanced modeling of protein sequence and biophysical properties (such as structural, functional, and spatial information, amino acid conservation, physicochemical variation, residue mobility, and thermodynamic stability) performed at Invitae indicates that this missense variant is not expected to disrupt MED13L protein function. In summary, the available evidence is currently insufficient to determine the role of this variant in disease. Therefore, it has been classified as a Variant of Uncertain Significance. ClinVar contains an entry for this variant (Variation ID: 464487). This variant has not been reported in the literature in individuals affected with MED13L-related conditions. This variant is present in population databases (no rsID available, gnomAD 0.0009%). This sequence change replaces aspartic acid, which is acidic and polar, with glycine, which is neutral and non-polar, at codon 643 of the MED13L protein (p.Asp643Gly).

NM_015335.5(MED13L):c.1928A>G (p.Asp643Gly)

Gene: MED13L (mediator complex subunit 13L; minus strand). Cytogenetic location: 12q24.21.
Variant type: single nucleotide variant.
Coding change: c.1928A>G on transcript NM_015335.5 (MANE Select); coding-DNA position 1928, A replaced by G.
Protein change: p.Asp643Gly; replaces aspartic acid 643 with glycine.
Molecular consequence: missense variant.
Genome position (GRCh38, 1-based): chr12:116,008,485, T>C on the plus strand (A>G on the coding strand, the complement: MED13L is on the minus strand). VCF-style: chr12-116008485-T-C. GRCh37 (hg19) VCF-style: chr12-116446290-T-C.
Other names: short protein forms D643G.
Identifiers: ClinVar variation 464487 (VCV000464487.9), dbSNP rs1344076513, ClinGen allele CA386895261.